The following is an entry in ClinVar:

NM_018723.4(RBFOX1):c.76G>C (p.Ala26Pro)

Gene: RBFOX1 (RNA binding fox-1 homolog 1; plus strand). Cytogenetic location: 16p13.3.
Variant type: single nucleotide variant.
Coding change: c.76G>C on transcript NM_018723.4 (MANE Select); coding-DNA position 76, G replaced by C.
Protein change: p.Ala26Pro; replaces alanine 26 with proline.
Molecular consequence: missense variant.
Genome position (GRCh38, 1-based): chr16:7,518,195, G>C. VCF-style: chr16-7518195-G-C. GRCh37 (hg19) VCF-style: chr16-7568197-G-C.
Other names: c.151G>C, p.Ala51Pro (NM_001415893.1, NM_001415899.1, NM_001415901.1 and 4 more transcripts); c.184G>C, p.Ala62Pro (NM_001415894.1, NM_001415898.1, NM_001415900.1 and 5 more transcripts); c.205G>C, p.Ala69Pro (NM_001415895.1, NM_001415897.1, NM_001415907.1 and 5 more transcripts); c.136G>C, p.Ala46Pro (NM_001415896.1, NM_001415904.1, NM_001415906.1 and 4 more transcripts); c.82G>C, p.Ala28Pro (NM_001415902.1, NM_001415911.1, NM_001415917.1); c.76G>C, p.Ala26Pro (NM_001415916.1, NM_001142334.2, NM_001364800.2 and 1 more transcripts); c.673G>C, p.Ala225Pro (NM_001415887.1, NM_001415888.1); short protein forms A225P, A26P, A28P, A46P, A51P, A62P, A69P.
Identifiers: ClinVar variation 3626161 (VCV003626161.2).
Genomic context (GRCh38, chr16:7,518,195, plus strand): 5'-TTGATTTTTCAGGGTAATCAGGAAGCAGCCGCTGCCCCTGACACAATGGCTCAGCCTTAC[G>C]CTTCGGCCCAGTTTGCTCCCCCGCAGAACGGTATCCCCGCGGAATACACGGCCCCTCATC-3'
Protein context (NP_061193.2, residues 16-36): AAPDTMAQPY[Ala26Pro]SAQFAPPQNG

ClinVar aggregate classification (germline): Uncertain significance (1 of 4 stars; one submission).

Conditions:
Idiopathic generalized epilepsy. Also called: EIG; Generalised epilepsy. Identifiers: MedGen C0270850, MONDO:0005579, OMIM 600669.

gnomAD v4.1: 2 of 1,613,976 alleles (0.00012%); highest among the groups gnomAD compares: Non-Finnish European, 0.00017%; no homozygotes.

Submission:

Labcorp Genetics (formerly Invitae), Labcorp
Classification: Uncertain significance for Idiopathic generalized epilepsy. Last evaluated: 2024-03-25. Review status: criteria provided, single submitter. Criteria: Invitae Variant Classification Sherloc (09022015). Collection method: clinical testing. Allele origin: germline.
Comment: This sequence change replaces alanine, which is neutral and non-polar, with proline, which is neutral and non-polar, at codon 46 of the RBFOX1 protein (p.Ala46Pro). This variant is not present in population databases (gnomAD no frequency). This variant has not been reported in the literature in individuals affected with RBFOX1-related conditions. Advanced modeling of protein sequence and biophysical properties (such as structural, functional, and spatial information, amino acid conservation, physicochemical variation, residue mobility, and thermodynamic stability) performed at Invitae indicates that this missense variant is not expected to disrupt RBFOX1 protein function with a negative predictive value of 80%. In summary, the available evidence is currently insufficient to determine the role of this variant in disease. Therefore, it has been classified as a Variant of Uncertain Significance.